The following is an entry in ClinVar:

ClinVar aggregate classification (germline): Pathogenic. Review status: reviewed by expert panel (3 of 4 stars). 5 submissions from 5 submitters: Pathogenic (1). 4 of the submissions do not count toward it. Last evaluated 2016-09-08.

Conditions:
Breast-ovarian cancer, familial, susceptibility to, 1 (BROVCA1). Also called: BRCA1 Hereditary Breast and Ovarian Cancer; OVARIAN CANCER, SUSCEPTIBILITY TO. Identifiers: Orphanet 145, MedGen C2676676, MONDO:0011450, OMIM 604370. Disease mechanism: loss of function.
Hereditary cancer-predisposing syndrome. Also called: Hereditary Cancer Syndrome; Neoplastic Syndromes, Hereditary; Hereditary neoplastic syndrome; Tumor predisposition. Identifiers: Orphanet 140162, MedGen C0027672, MeSH D009386, MONDO:0015356.
Hereditary breast ovarian cancer syndrome. Also called: Hereditary breast and/or ovarian cancer syndrome; Hereditary breast and ovarian cancer syndrome; Hereditary breast and ovarian cancer; Hereditary breast and ovarian cancer syndrome (HBOC); Breast and ovarian cancer; BRCA1- and BRCA2-Associated Hereditary Breast and Ovarian Cancer. Identifiers: Orphanet 145, MedGen C0677776, MeSH D061325, MONDO:0003582. Disease mechanism: loss of function.

Submissions (5):

Evidence-based Network for the Interpretation of Germline Mutant Alleles (ENIGMA)
Classification: Pathogenic for Breast-ovarian cancer, familial, susceptibility to, 1. Last evaluated: 2016-09-08. Review status: reviewed by expert panel. Criteria: ENIGMA BRCA1/2 Classification Criteria (2015). Collection method: curation. Allele origin: germline.
Comment: Variant allele predicted to encode a truncated non-functional protein.

Ambry Genetics
Classification: Pathogenic for Hereditary cancer-predisposing syndrome. Last evaluated: 2024-11-22. Review status: criteria provided, single submitter. Criteria: Ambry Variant Classification Scheme 2023. Collection method: clinical testing. Allele origin: germline. Not counted in ClinVar's aggregate classification.
Comment: The c.4348dupT pathogenic mutation, located in coding exon 11 of the BRCA1 gene, results from a duplication of T at nucleotide position 4348, causing a translational frameshift with a predicted alternate stop codon (p.S1450Ffs*12). This variant is considered to be rare based on population cohorts in the Genome Aggregation Database (gnomAD). This alteration is expected to result in loss of function by premature protein truncation or nonsense-mediated mRNA decay. As such, this alteration is interpreted as a disease-causing mutation.

Labcorp Genetics (formerly Invitae), Labcorp
Classification: Pathogenic for Hereditary breast ovarian cancer syndrome. Last evaluated: 2023-03-10. Review status: criteria provided, single submitter. Criteria: Invitae Variant Classification Sherloc (09022015). Collection method: clinical testing. Allele origin: germline. Not counted in ClinVar's aggregate classification.
Comment: This variant has not been reported in the literature in individuals affected with BRCA1-related conditions. This sequence change creates a premature translational stop signal (p.Ser1450Phefs*12) in the BRCA1 gene. It is expected to result in an absent or disrupted protein product. Loss-of-function variants in BRCA1 are known to be pathogenic (PMID: 20104584). This variant is not present in population databases (gnomAD no frequency). ClinVar contains an entry for this variant (Variation ID: 96930). For these reasons, this variant has been classified as Pathogenic.

Sharing Clinical Reports Project (SCRP)
Classification: Pathogenic for Breast-ovarian cancer, familial 1. Last evaluated: 2012-05-01. Review status: no assertion criteria provided. Collection method: clinical testing. Allele origin: germline. Not counted in ClinVar's aggregate classification.

Breast Cancer Information Core (BIC) (BRCA1)
Classification: Pathogenic for Breast-ovarian cancer, familial 1. Last evaluated: 2003-12-23. Review status: no assertion criteria provided. Collection method: clinical testing. Allele origin: germline. Affected: yes. Observed: 1 variant allele. Not counted in ClinVar's aggregate classification.

Literature cited by the submitters: PubMed 20104584 (cited by Labcorp Genetics (formerly Invitae), Labcorp).

NM_007294.4(BRCA1):c.4348dup (p.Ser1450fs)

Gene: BRCA1 (BRCA1 DNA repair associated; minus strand). Cytogenetic location: 17q21.31.
Variant type: Duplication.
Coding change: c.4348dup on transcript NM_007294.4 (MANE Select); coding-DNA position 4348, one base duplicated (T; older notation c.4348dupT).
Protein change: p.Ser1450fs; shifts the reading frame from serine 1450.
Molecular consequence: frameshift variant. On other transcripts: non-coding transcript variant (1).
Genome position (GRCh38, 1-based): chr17:43,082,413, A duplicated on the plus strand (T on the coding strand, the reverse complement: BRCA1 is on the minus strand). VCF-style (leftmost placement, unchanged base first): chr17-43082412-G-GA. GRCh37 (hg19) VCF-style: chr17-41234429-G-GA.
Other names: 4467insT; c.4348dupT (NM_007294.3); c.913dup, p.Ser305Phefs (NM_001408447.1, NM_001408448.1, NM_001408450.1 and 10 more transcripts); c.904dup, p.Ser302Phefs (NM_001408451.1); c.898dup, p.Ser300Phefs (NM_001408452.1, NM_001408453.1, NM_001408454.1 and 8 more transcripts); c.895dup, p.Ser299Phefs (NM_001408462.1, NM_001408463.1, NM_001408464.1 and 5 more transcripts); c.892dup, p.Ser298Phefs (NM_001408470.1); c.1036dup, p.Ser346Phefs (NM_001408472.1, NM_001408473.1, NM_001407972.1 and 18 more transcripts); and 56 more; short protein forms S1403fs, S1450fs, S347fs.
Identifiers: ClinVar variation 96930 (VCV000096930.7), dbSNP rs80357548, ClinGen allele CA002781.
Genomic context (GRCh38, chr17:43,082,412, plus strand): 5'-GGGAAGGAAAGAATTTTGCTTAAGATATCAGTGTTTGGCCAACAATACACACCTTTTTCT[G>GA]ATGTGCTTTGTTCTGGATTTCGCAGGTCCTCAAGGGCAGAAGAGTCACTTATGATGGAAG-3'